The following is an entry in ClinVar:

NM_000057.4(BLM):c.4023C>T (p.Ala1341=)

Gene: BLM (BLM RecQ like helicase; plus strand). Cytogenetic location: 15q26.1.
Variant type: single nucleotide variant.
Coding change: c.4023C>T on transcript NM_000057.4 (MANE Select); coding-DNA position 4023, C replaced by T.
Protein change: p.Ala1341=; no amino-acid change (alanine 1341 retained).
Molecular consequence: synonymous variant.
Genome position (GRCh38, 1-based): chr15:90,811,353, C>T. VCF-style: chr15-90811353-C-T. GRCh37 (hg19) VCF-style: chr15-91354583-C-T.
Other names: c.4023C>T, p.Ala1341= (NM_001287246.2); c.3630C>T, p.Ala1210= (NM_001287247.2); c.2898C>T, p.Ala966= (NM_001287248.2).
Identifiers: ClinVar variation 759707 (VCV000759707.21), dbSNP rs1596273681, ClinGen allele CA492157874.
Genomic context (GRCh38, chr15:90,811,353, plus strand): 5'-ATCTTCCCACTACTTTGCAAGTAAAACCAGAAATGAAAGGAAGAGGAAAAAGATGCCAGC[C>T]TCCCAAAGGTCTAAGAGGAGAAAAACTGCTTCCAGTGGTTCCAAGGCAAAGGGGTATGTT-3'
Protein context (NP_000048.1, residues 1331-1351): RNERKRKKMP[Ala1341=]SQRSKRRKTA

ClinVar aggregate classification (germline): Likely benign. Review status: criteria provided, multiple submitters, no conflicts (2 of 4 stars). 3 submissions from 3 submitters: Likely benign (3). Last evaluated 2025-10-01.

Conditions:
Hereditary cancer-predisposing syndrome. Also called: Hereditary Cancer Syndrome; Tumor predisposition; Hereditary neoplastic syndrome; Neoplastic Syndromes, Hereditary. Identifiers: Orphanet 140162, MedGen C0027672, MeSH D009386, MONDO:0015356.
Bloom syndrome (BLM). Also called: Bloom-Torre-Machacek syndrome. Identifiers: Orphanet 125, MedGen C0005859, MONDO:0008876, OMIM 210900.

Allele frequency attached by ClinVar (database versions not stated): gnomAD 0.00001; gnomAD exomes 0.00001.
gnomAD v4.1: 5 of 1,614,056 alleles (0.00031%); highest among the groups gnomAD compares: African/African-American, 0.0013%; no homozygotes.

Submissions (3):

CeGaT Center for Human Genetics Tuebingen
Classification: Likely benign. Last evaluated: 2025-10-01. Review status: criteria provided, single submitter. Criteria: CeGaT Center For Human Genetics Tuebingen Variant Classification Criteria Version 2. Collection method: clinical testing. Allele origin: germline. Affected: yes. Observed: 1 variant allele.
Comment: BLM: BP4, BP7

Labcorp Genetics (formerly Invitae), Labcorp
Classification: Likely benign for Bloom syndrome. Last evaluated: 2025-06-09. Review status: criteria provided, single submitter. Criteria: Invitae Variant Classification Sherloc (09022015). Collection method: clinical testing. Allele origin: germline.

Ambry Genetics
Classification: Likely benign for Hereditary cancer-predisposing syndrome. Last evaluated: 2019-03-21. Review status: criteria provided, single submitter. Criteria: Ambry Variant Classification Scheme 2023. Collection method: clinical testing. Allele origin: germline.